The following is an entry in ClinVar:

NM_001018115.3(FANCD2):c.74A>G (p.Lys25Arg)

Genes: FANCD2 (FA complementation group D2; plus strand), LOC107303338 (3p25 FANCD2 Alu-mediated recombination region; plus strand). Cytogenetic location: 3p25.3.
Variant type: single nucleotide variant.
Coding change: c.74A>G on transcript NM_001018115.3 (MANE Select); coding-DNA position 74, A replaced by G.
Protein change: p.Lys25Arg; replaces lysine 25 with arginine.
Molecular consequence: missense variant.
Genome position (GRCh38, 1-based): chr3:10,032,841, A>G. VCF-style: chr3-10032841-A-G. GRCh37 (hg19) VCF-style: chr3-10074525-A-G.
Other names: c.74A>G, p.Lys25Arg (NM_001319984.2, NM_001374253.1, NM_001374254.1 and 2 more transcripts); short protein forms K25R.
Identifiers: ClinVar variation 2719186 (VCV002719186.1), dbSNP rs1479427348, ClinGen allele CA351717873.
Genomic context (GRCh38, chr3:10,032,841, plus strand): 5'-TAATTTTTCCTTTACTATTTGCCATATTCTTGAAAATTTTTCTATTTTCAGAAACCAGGA[A>G]GCAACCACTTTCCAAAAAGACAAAGAAATCTCATATTGCTAATGAAGTTGAAGAAAATGA-3'
Protein context (NP_001018125.1, residues 15-35): SLTEDASKTR[Lys25Arg]QPLSKKTKKS

ClinVar aggregate classification (germline): Uncertain significance (1 of 4 stars; one submission).

Conditions:
Fanconi anemia (FA). Also called: Fanconi's anemia. Identifiers: Orphanet 84, MedGen C0015625, MeSH D005199, MONDO:0019391.

Allele frequency attached by ClinVar (database versions not stated): gnomAD 0.00001; gnomAD exomes 0.00001.
gnomAD v4.1: 4 of 1,612,898 alleles (0.00025%); highest among the groups gnomAD compares: Non-Finnish European, 0.00034%; no homozygotes.

Submission:

Labcorp Genetics (formerly Invitae), Labcorp
Classification: Uncertain significance for Fanconi anemia. Last evaluated: 2023-06-04. Review status: criteria provided, single submitter. Criteria: Invitae Variant Classification Sherloc (09022015). Collection method: clinical testing. Allele origin: germline.
Comment: In summary, the available evidence is currently insufficient to determine the role of this variant in disease. Therefore, it has been classified as a Variant of Uncertain Significance. Algorithms developed to predict the effect of missense changes on protein structure and function output the following: SIFT: "Not Available"; PolyPhen-2: "Benign"; Align-GVGD: "Not Available". The arginine amino acid residue is found in multiple mammalian species, which suggests that this missense change does not adversely affect protein function. This variant has not been reported in the literature in individuals affected with FANCD2-related conditions. The frequency data for this variant in the population databases is considered unreliable, as metrics indicate poor data quality at this position in the gnomAD database. This sequence change replaces lysine, which is basic and polar, with arginine, which is basic and polar, at codon 25 of the FANCD2 protein (p.Lys25Arg).